The following is an entry in ClinVar:

NM_001205254.2(OCLN):c.730-7T>C

Gene: OCLN (occludin; plus strand). Cytogenetic location: 5q13.2.
Variant type: single nucleotide variant.
Coding change: c.730-7T>C on transcript NM_001205254.2 (MANE Select); 7 bases into the intron before coding-DNA position 730, T replaced by C.
Molecular consequence: intron variant.
Genome position (GRCh38, 1-based): chr5:69,513,941, T>C. VCF-style: chr5-69513941-T-C. GRCh37 (hg19) VCF-style: chr5-68809768-T-C.
Other names: c.730-7T>C (NM_001438604.1, NM_002538.4); c.729+4122T>C (NM_001410743.1, NM_001438048.1); c.-24-7T>C (NM_001205255.2).
Identifiers: ClinVar variation 384169 (VCV000384169.3), dbSNP rs760192677, ClinGen allele CA3294501.
Genomic context (GRCh38, chr5:69,513,941, plus strand): 5'-TGTAGAGGGTGAATTGTGATTAAGCAATTAAAATCTAATTATGCCAATATTTTCCACTCC[T>C]TTTTAGGCCATTGCCATTGTACTGGGGTTCATGATTATTGTGGCTTTTGCTTTAATAATT-3'

ClinVar aggregate classification (germline): Likely benign. Review status: criteria provided, multiple submitters, no conflicts (2 of 4 stars). 2 submissions from 2 submitters: Likely benign (2). Last evaluated 2025-10-03.

Allele frequency attached by ClinVar (database versions not stated): ExAC 0.00002; gnomAD exomes 0.00002 and below 0.00001; TOPMed 0.00002; gnomAD 0.00001.
gnomAD v4.1: 6 of 1,611,010 alleles (0.00037%); highest among the groups gnomAD compares: Admixed American, 0.0083%; no homozygotes.

Submissions (2):

Labcorp Genetics (formerly Invitae), Labcorp
Classification: Likely benign. Last evaluated: 2025-10-03. Review status: criteria provided, single submitter. Criteria: Invitae Variant Classification Sherloc (09022015). Collection method: clinical testing. Allele origin: germline.

GeneDx
Classification: Likely benign. Last evaluated: 2016-03-02. Review status: criteria provided, single submitter. Criteria: GeneDx Variant Classification (06012015). Collection method: clinical testing. Allele origin: germline. Affected: yes.
Comment: This variant is considered likely benign or benign based on one or more of the following criteria: it is a conservative change, it occurs at a poorly conserved position in the protein, it is predicted to be benign by multiple in silico algorithms, and/or has population frequency not consistent with disease.